The following is an entry in ClinVar:

ClinVar aggregate classification (germline): Benign (0 of 4 stars; one submission).

Conditions:
ACTN3-related disorder. Also called: ACTN3-related condition.

Allele frequency attached by ClinVar (database versions not stated): 1000 Genomes Project 0.08047; 1000 Genomes Project 30x 0.08229; TOPMed 0.10284; gnomAD 0.11361; ESP Exome Variant Server 0.11645; ExAC 0.12356.
gnomAD v4.1: 245,995 of 1,613,836 alleles (15%); highest among the groups gnomAD compares: Non-Finnish European, 17%; 20,368 homozygotes.

Submissions (2):

PreventionGenetics, part of Exact Sciences
Classification: Benign for ACTN3-related condition. Last evaluated: 2019-11-12. Review status: no assertion criteria provided. Collection method: clinical testing. Allele origin: germline.
Comment: This variant is classified as benign based on ACMG/AMP sequence variant interpretation guidelines (Richards et al. 2015 PMID: 25741868, with internal and published modifications).

Dr. Peter K. Rogan Lab, Western University
No classification provided (evidence only). Condition: Uterine carcinosarcoma. Review status: no classification provided. Collection method: in vitro. Allele origin: not applicable. Functional consequence: retained intron. Not counted in ClinVar's aggregate classification.

NM_001104.4(ACTN3):c.2322G>A (p.Arg774=)

Gene: ACTN3 (actinin alpha 3; plus strand). Cytogenetic location: 11q13.2.
Variant type: single nucleotide variant.
Coding change: c.2322G>A on transcript NM_001104.4 (MANE Select); coding-DNA position 2322, G replaced by A.
Protein change: p.Arg774=; no amino-acid change (arginine 774 retained).
Molecular consequence: synonymous variant.
Genome position (GRCh38, 1-based): chr11:66,562,168, G>A. VCF-style: chr11-66562168-G-A. GRCh37 (hg19) VCF-style: chr11-66329639-G-A.
Other names: NC_000011.9:g.66329639G>A; c.2451G>A, p.Arg817= (NM_001258371.3).
Identifiers: ClinVar variation 3056361 (VCV003056361.3), dbSNP rs77239910, ClinGen allele CA6125026.